The following is an entry in ClinVar:

ClinVar aggregate classification (germline): Uncertain significance (1 of 4 stars; one submission).

Submission:

Ambry Genetics
Classification: Uncertain significance. Last evaluated: 2022-10-01. Review status: criteria provided, single submitter. Criteria: Ambry Variant Classification Scheme 2023. Collection method: clinical testing. Allele origin: germline.
Comment: The p.N290K variant (also known as c.870T>A), located in coding exon 4 of the MNDA gene, results from a T to A substitution at nucleotide position 870. The asparagine at codon 290 is replaced by lysine, an amino acid with similar properties. This amino acid position is conserved. In addition, this alteration is predicted to be tolerated by in silico analysis. Since supporting evidence is limited at this time, the clinical significance of this alteration remains unclear.

NM_002432.3(MNDA):c.870T>A (p.Asn290Lys)

Gene: MNDA (myeloid cell nuclear differentiation antigen; plus strand). Cytogenetic location: 1q23.1.
Variant type: single nucleotide variant.
Coding change: c.870T>A on transcript NM_002432.3 (MANE Select); coding-DNA position 870, T replaced by A.
Protein change: p.Asn290Lys; replaces asparagine 290 with lysine.
Molecular consequence: missense variant.
Genome position (GRCh38, 1-based): chr1:158,845,886, T>A. VCF-style: chr1-158845886-T-A. GRCh37 (hg19) VCF-style: chr1-158815676-T-A.
Other names: short protein forms N290K.
Identifiers: ClinVar variation 1764409 (VCV001764409.2), dbSNP rs2526088117, ClinGen allele CA343042067.